The following is an entry in ClinVar:

NM_001195518.2(MICU1):c.892G>A (p.Glu298Lys)

Gene: MICU1 (mitochondrial calcium uptake 1; minus strand). Cytogenetic location: 10q22.1.
Variant type: single nucleotide variant.
Coding change: c.892G>A on transcript NM_001195518.2 (MANE Select); coding-DNA position 892, G replaced by A.
Protein change: p.Glu298Lys; replaces glutamic acid 298 with lysine.
Molecular consequence: missense variant.
Genome position (GRCh38, 1-based): chr10:72,475,141, C>T on the plus strand (G>A on the coding strand, the complement: MICU1 is on the minus strand). VCF-style: chr10-72475141-C-T. GRCh37 (hg19) VCF-style: chr10-74234899-C-T.
Other names: c.298G>A, p.Glu100Lys (NM_001195519.2); c.910G>A, p.Glu304Lys (NM_001363513.2); c.898G>A, p.Glu300Lys (NM_006077.4); short protein forms E100K, E298K, E300K, E304K.
Identifiers: ClinVar variation 1441000 (VCV001441000.6), dbSNP rs368702991, ClinGen allele CA5550136.

ClinVar aggregate classification (germline): Uncertain significance. Review status: criteria provided, multiple submitters, no conflicts (2 of 4 stars). 2 submissions from 2 submitters: Uncertain significance (2). Last evaluated 2024-06-03.

Allele frequency attached by ClinVar (database versions not stated): gnomAD 0.00001 and 0.00003; TOPMed 0.00002; gnomAD exomes 0.00003; ExAC 0.00005; ESP Exome Variant Server 0.00008; 1000 Genomes Project 30x 0.00031.
gnomAD v4.1: 63 of 1,611,048 alleles (0.0039%); highest among the groups gnomAD compares: Middle Eastern, 0.033%; no homozygotes.

Submissions (2):

Labcorp Genetics (formerly Invitae), Labcorp
Classification: Uncertain significance. Last evaluated: 2024-06-03. Review status: criteria provided, single submitter. Criteria: Invitae Variant Classification Sherloc (09022015). Collection method: clinical testing. Allele origin: germline.
Comment: This sequence change replaces glutamic acid, which is acidic and polar, with lysine, which is basic and polar, at codon 300 of the MICU1 protein (p.Glu300Lys). This variant is present in population databases (rs368702991, gnomAD 0.01%). This variant has not been reported in the literature in individuals affected with MICU1-related conditions. ClinVar contains an entry for this variant (Variation ID: 1441000). Advanced modeling of protein sequence and biophysical properties (such as structural, functional, and spatial information, amino acid conservation, physicochemical variation, residue mobility, and thermodynamic stability) performed at Invitae indicates that this missense variant is not expected to disrupt MICU1 protein function with a negative predictive value of 80%. In summary, the available evidence is currently insufficient to determine the role of this variant in disease. Therefore, it has been classified as a Variant of Uncertain Significance.

Breakthrough Genomics
Classification: Uncertain significance. Review status: criteria provided, single submitter. Criteria: ACMG Guidelines, 2015. Collection method: not provided. Allele origin: germline. Inheritance: Autosomal recessive inheritance. Affected: yes.